The following is an entry in ClinVar:

NM_000170.3(GLDC):c.262G>A (p.Asp88Asn)

Gene: GLDC (glycine decarboxylase; minus strand). Cytogenetic location: 9p24.1.
Variant type: single nucleotide variant.
Coding change: c.262G>A on transcript NM_000170.3 (MANE Select); coding-DNA position 262, G replaced by A.
Protein change: p.Asp88Asn; replaces aspartic acid 88 with asparagine.
Molecular consequence: missense variant.
Genome position (GRCh38, 1-based): chr9:6,644,686, C>T on the plus strand (G>A on the coding strand, the complement: GLDC is on the minus strand). VCF-style: chr9-6644686-C-T. GRCh37 (hg19) VCF-style: chr9-6644686-C-T.
Other names: short protein forms D88N.
Identifiers: ClinVar variation 531760 (VCV000531760.16), dbSNP rs770826242, ClinGen allele CA4981226.

ClinVar aggregate classification (germline): Conflicting classifications of pathogenicity. Review status: criteria provided, conflicting classifications (1 of 4 stars). 3 submissions from 3 submitters: Uncertain significance (1); Likely benign (1). 1 of the submissions does not count toward it. Last evaluated 2026-02-03.

Conditions:
Glycine encephalopathy. Also called: Non-ketotic hyperglycinemia; Nonketotic hyperglycinemia. Identifiers: Orphanet 407, MedGen C0751748, MONDO:0011612, HP:0008288.

Allele frequency attached by ClinVar (database versions not stated): gnomAD 0.00003; gnomAD exomes 0.00003 and 0.00014; TOPMed 0.00009; ExAC 0.00011.
gnomAD v4.1: 42 of 1,611,024 alleles (0.0026%); highest among the groups gnomAD compares: Admixed American, 0.065%; no homozygotes.

Submissions (3):

Labcorp Genetics (formerly Invitae), Labcorp
Classification: Likely benign for Glycine encephalopathy. Last evaluated: 2026-02-03. Review status: criteria provided, single submitter. Criteria: Invitae Variant Classification Sherloc (09022015). Collection method: clinical testing. Allele origin: germline.

GeneDx
Classification: Uncertain significance. Last evaluated: 2025-12-04. Review status: criteria provided, single submitter. Criteria: GeneDx Variant Classification Process June 2021. Collection method: clinical testing. Allele origin: germline. Affected: yes.
Comment: In silico analysis supports that this missense variant has a deleterious effect on protein structure/function; Has not been previously published as pathogenic or benign to our knowledge

Natera, Inc.
Classification: Uncertain significance for Non-ketotic hyperglycinemia. Last evaluated: 2019-11-11. Review status: no assertion criteria provided. Collection method: clinical testing. Allele origin: germline. Not counted in ClinVar's aggregate classification.